The following is an entry in ClinVar:

NM_007294.4(BRCA1):c.3812G>A (p.Ser1271Asn)

Genes: BRCA1 (BRCA1 DNA repair associated; minus strand), LOC126862571 (BRD4-independent group 4 enhancer GRCh37_chr17:41243136-41244335; plus strand). Cytogenetic location: 17q21.31.
Variant type: single nucleotide variant.
Coding change: c.3812G>A on transcript NM_007294.4 (MANE Select); coding-DNA position 3812, G replaced by A.
Protein change: p.Ser1271Asn; replaces serine 1271 with asparagine.
Molecular consequence: missense variant. On other transcripts: intron variant (135).
Genome position (GRCh38, 1-based): chr17:43,091,719, C>T on the plus strand (G>A on the coding strand, the complement: BRCA1 is on the minus strand). VCF-style: chr17-43091719-C-T. GRCh37 (hg19) VCF-style: chr17-41243736-C-T.
Other names: c.3671G>A, p.Ser1224Asn (NM_001407724.1, NM_001407725.1, NM_001407726.1 and 29 more transcripts); c.3668G>A, p.Ser1223Asn (NM_001407740.1, NM_001407741.1, NM_001407742.1 and 20 more transcripts); c.3599G>A, p.Ser1200Asn (NM_001407853.1, NM_001407894.1, NM_001407895.1 and 9 more transcripts); c.3812G>A, p.Ser1271Asn (NM_001407854.1, NM_001407858.1, NM_001407859.1 and 30 more transcripts); c.3809G>A, p.Ser1270Asn (NM_001407860.1, NM_001407861.1, NM_001407587.1 and 22 more transcripts); c.3611G>A, p.Ser1204Asn (NM_001407862.1); c.3689G>A, p.Ser1230Asn (NM_001407863.1, NM_001407919.1, NM_001407937.1 and 19 more transcripts); c.3608G>A, p.Ser1203Asn (NM_001407874.1, NM_001407875.1); and 41 more; short protein forms S1103N, S1182N, S1200N, S1201N, S1244N, S1270N, S403N, S1144N.
Identifiers: ClinVar variation 1735170 (VCV001735170.4), dbSNP rs1567789989, ClinGen allele CA10594344.

ClinVar aggregate classification (germline): Conflicting classifications of pathogenicity. Review status: criteria provided, conflicting classifications (1 of 4 stars). 2 submissions from 2 submitters: Uncertain significance (1); Likely benign (1). Last evaluated 2023-03-23.

Conditions:
Hereditary cancer-predisposing syndrome. Also called: Neoplastic Syndromes, Hereditary; Tumor predisposition; Hereditary Cancer Syndrome; Hereditary neoplastic syndrome. Identifiers: Orphanet 140162, MedGen C0027672, MeSH D009386, MONDO:0015356.

Submissions (2):

University of Washington Department of Laboratory Medicine, University of Washington
Classification: Likely benign for Hereditary cancer-predisposing syndrome. Last evaluated: 2023-03-23. Review status: criteria provided, single submitter. Criteria: Dines et al. (Genet Med. 2020). Collection method: curation. Allele origin: germline.
Comment: Missense variant in a coldspot region where missense variants are very unlikely to be pathogenic (PMID:31911673).

BRCA1 coldspot (exon 11 using historical exon numbering). Reclassification based on statistical prior probability

Ambry Genetics
Classification: Uncertain significance for Hereditary cancer-predisposing syndrome. Last evaluated: 2022-01-10. Review status: criteria provided, single submitter. Criteria: Ambry Variant Classification Scheme 2023. Collection method: clinical testing. Allele origin: germline.
Comment: The p.S1271N variant (also known as c.3812G>A), located in coding exon 9 of the BRCA1 gene, results from a G to A substitution at nucleotide position 3812. The serine at codon 1271 is replaced by asparagine, an amino acid with highly similar properties. This amino acid position is conserved. In addition, this alteration is predicted to be tolerated by in silico analysis. Since supporting evidence is limited at this time, the clinical significance of this alteration remains unclear.